The following is an entry in ClinVar:

NM_018136.5(ASPM):c.10189del (p.Asp3397fs)

Gene: ASPM (assembly factor for spindle microtubules; minus strand). Cytogenetic location: 1q31.3.
Variant type: Deletion.
Coding change: c.10189del on transcript NM_018136.5 (MANE Select); coding-DNA position 10189, one base deleted (G; older notation c.10189delG).
Protein change: p.Asp3397fs; shifts the reading frame from aspartic acid 3397.
Molecular consequence: frameshift variant.
Genome position (GRCh38, 1-based): chr1:197,086,945, C deleted on the plus strand (G on the coding strand, the reverse complement: ASPM is on the minus strand). VCF-style (leftmost placement, unchanged base first): chr1-197086944-TC-T. GRCh37 (hg19) VCF-style: chr1-197056074-TC-T.
Other names: c.5434del, p.Asp1812fs (NM_001206846.2); short protein forms D1812fs, D3397fs.
Identifiers: ClinVar variation 4724379 (VCV004724379.1).

ClinVar aggregate classification (germline): Pathogenic (1 of 4 stars; one submission).

Submission:

Labcorp Genetics (formerly Invitae), Labcorp
Classification: Pathogenic. Last evaluated: 2025-07-30. Review status: criteria provided, single submitter. Criteria: Invitae Variant Classification Sherloc (09022015). Collection method: clinical testing. Allele origin: germline.
Comment: This sequence change creates a premature translational stop signal (p.Asp3397Thrfs*16) in the ASPM gene. It is expected to result in an absent or disrupted protein product. Loss-of-function variants in ASPM are known to be pathogenic (PMID: 19028728, 23611254). This variant is not present in population databases (gnomAD no frequency). This variant has not been reported in the literature in individuals affected with ASPM-related conditions. For these reasons, this variant has been classified as Pathogenic.

Literature cited by the submitters: PubMed 19028728; PubMed 23611254.